The following is an entry in ClinVar:

NM_002113.3(CFHR1):c.791-38C>T

Gene: CFHR1 (complement factor H related 1; plus strand). Cytogenetic location: 1q31.3.
Variant type: single nucleotide variant.
Coding change: c.791-38C>T on transcript NM_002113.3 (MANE Select); 38 bases into the intron before coding-DNA position 791, C replaced by T.
Molecular consequence: intron variant.
Genome position (GRCh38, 1-based): chr1:196,831,759, C>T. VCF-style: chr1-196831759-C-T. GRCh37 (hg19) VCF-style: chr1-196800889-C-T.
Other names: c.587-38C>T (NM_001379311.1); c.740-38C>T (NM_001379306.1); c.629-38C>T (NM_001379307.1); c.626-38C>T (NM_001379308.1); c.623-38C>T (NM_001379309.1); c.596-38C>T (NM_001379310.1); c.548-38C>T (NM_001379312.1).
Identifiers: ClinVar variation 2639697 (VCV002639697.24), dbSNP rs181963459, ClinGen allele CA1306597.

ClinVar aggregate classification (germline): Likely benign (1 of 4 stars; one submission).

Allele frequency attached by ClinVar (database versions not stated): 1000 Genomes Project 0.00120; 1000 Genomes Project 30x 0.00141; ExAC 0.00354; ESP Exome Variant Server 0.00541; gnomAD exomes 0.00691.
gnomAD v4.1: 9,815 of 1,479,746 alleles (0.66%); highest among the groups gnomAD compares: Non-Finnish European, 0.84%; 1,425 homozygotes.

Submission:

CeGaT Center for Human Genetics Tuebingen
Classification: Likely benign. Last evaluated: 2023-01-01. Review status: criteria provided, single submitter. Criteria: CeGaT Center For Human Genetics Tuebingen Variant Classification Criteria Version 2. Collection method: clinical testing. Allele origin: germline. Affected: yes. Observed: 1 variant allele.
Comment: CFHR1: BS2